The following is an entry in ClinVar:

NM_017837.4(PIGV):c.1278G>A (p.Pro426=)

Gene: PIGV (phosphatidylinositol glycan anchor biosynthesis class V; plus strand). Cytogenetic location: 1p36.11.
Variant type: single nucleotide variant.
Coding change: c.1278G>A on transcript NM_017837.4 (MANE Select); coding-DNA position 1278, G replaced by A.
Protein change: p.Pro426=; no amino-acid change (proline 426 retained).
Molecular consequence: synonymous variant. On other transcripts: non-coding transcript variant (2).
Genome position (GRCh38, 1-based): chr1:26,797,640, G>A. VCF-style: chr1-26797640-G-A. GRCh37 (hg19) VCF-style: chr1-27124131-G-A.
Other names: c.1278G>A, p.Pro426= (NM_001202554.2, NM_001374478.1, NM_001374480.1 and 2 more transcripts); c.897G>A, p.Pro299= (NM_001374483.1); c.651G>A, p.Pro217= (NM_001374484.1, NM_001374485.1); c.156G>A, p.Pro52= (NM_001374486.1).
Identifiers: ClinVar variation 510814 (VCV000510814.5), dbSNP rs575831229, ClinGen allele CA708199.
Genomic context (GRCh38, chr1:26,797,640, plus strand): 5'-GGGCTCCTCCACTCCTATTATGTACTGGTTTCCAGCTCACTTGCTTCAGGATCAAGAGCC[G>A]CTGTTGAGATCCTTAAAGACTGTGCCTTGGAAGCCTCTTGCAGAGGACTCCCCACCAGGA-3'
Protein context (NP_060307.2, residues 416-436): FPAHLLQDQE[Pro426=]LLRSLKTVPW

ClinVar aggregate classification (germline): Likely benign. Review status: criteria provided, multiple submitters, no conflicts (2 of 4 stars). 3 submissions from 3 submitters: Likely benign (3). Last evaluated 2025-07-18.

Allele frequency attached by ClinVar (database versions not stated): gnomAD exomes 0.00002; ExAC 0.00003; 1000 Genomes Project 30x 0.00016; 1000 Genomes Project 0.00020; TOPMed below 0.00001; gnomAD 0.00001.
gnomAD v4.1: 31 of 1,613,910 alleles (0.0019%); highest among the groups gnomAD compares: South Asian, 0.02%; no homozygotes.

Submissions (3):

Labcorp Genetics (formerly Invitae), Labcorp
Classification: Likely benign. Last evaluated: 2025-07-18. Review status: criteria provided, single submitter. Criteria: Invitae Variant Classification Sherloc (09022015). Collection method: clinical testing. Allele origin: germline.

Blueprint Genetics
Classification: Likely benign. Last evaluated: 2023-05-11. Review status: criteria provided, single submitter. Criteria: ACMG Guidelines, 2015. Collection method: clinical testing. Allele origin: germline.

GeneDx
Classification: Likely benign. Last evaluated: 2017-07-12. Review status: criteria provided, single submitter. Criteria: GeneDx Variant Classification (06012015). Collection method: clinical testing. Allele origin: germline. Affected: yes.
Comment: This variant is considered likely benign or benign based on one or more of the following criteria: it is a conservative change, it occurs at a poorly conserved position in the protein, it is predicted to be benign by multiple in silico algorithms, and/or has population frequency not consistent with disease.